The following is an entry in ClinVar:

NM_000548.5(TSC2):c.1980C>A (p.Ser660Arg)

Gene: TSC2 (TSC complex subunit 2; plus strand). Cytogenetic location: 16p13.3.
Variant type: single nucleotide variant.
Coding change: c.1980C>A on transcript NM_000548.5 (MANE Select); coding-DNA position 1980, C replaced by A.
Protein change: p.Ser660Arg; replaces serine 660 with arginine.
Molecular consequence: missense variant.
Genome position (GRCh38, 1-based): chr16:2,071,817, C>A. VCF-style: chr16-2071817-C-A. GRCh37 (hg19) VCF-style: chr16-2121818-C-A.
Other names: c.1980C>A, p.Ser660Arg (NM_001077183.3, NM_001114382.3, NM_001363528.2 and 3 more transcripts); c.1869C>A, p.Ser623Arg (NM_001318827.2); c.1833C>A, p.Ser611Arg (NM_001318829.2); c.1380C>A, p.Ser460Arg (NM_001318831.2); c.2013C>A, p.Ser671Arg (NM_001318832.2); short protein forms S460R, S671R, S611R, S623R, S660R.
Identifiers: ClinVar variation 1447549 (VCV001447549.8), dbSNP rs959705365, ClinGen allele CA394274370.

ClinVar aggregate classification (germline): Uncertain significance (1 of 4 stars; one submission).

Conditions:
Tuberous sclerosis 2 (TSC2). Identifiers: Orphanet 805, MedGen C1860707, MONDO:0013199, OMIM 613254.

Submission:

Labcorp Genetics (formerly Invitae), Labcorp
Classification: Uncertain significance for Tuberous sclerosis 2. Last evaluated: 2021-01-16. Review status: criteria provided, single submitter. Criteria: Invitae Variant Classification Sherloc (09022015). Collection method: clinical testing. Allele origin: germline.
Comment: This sequence change replaces serine with arginine at codon 660 of the TSC2 protein (p.Ser660Arg). The serine residue is weakly conserved and there is a moderate physicochemical difference between serine and arginine. This variant is not present in population databases (ExAC no frequency). This variant has not been reported in the literature in individuals with TSC2-related conditions. Algorithms developed to predict the effect of missense changes on protein structure and function are either unavailable or do not agree on the potential impact of this missense change (SIFT: "Deleterious"; PolyPhen-2: "Possibly Damaging"; Align-GVGD: "Class C0"). In summary, the available evidence is currently insufficient to determine the role of this variant in disease. Therefore, it has been classified as a Variant of Uncertain Significance.